The following is an entry in ClinVar:

ClinVar aggregate classification (germline): Uncertain significance (1 of 4 stars; one submission).

Conditions:
Cardiovascular phenotype. Identifiers: MedGen CN230736.

Submission:

Ambry Genetics
Classification: Uncertain significance for Cardiovascular phenotype. Last evaluated: 2026-04-26. Review status: criteria provided, single submitter. Criteria: Ambry Variant Classification Scheme 2023. Collection method: clinical testing. Allele origin: germline.
Comment: The p.K325Q variant (also known as c.973A>C), located in coding exon 9 of the PTPN11 gene, results from an A to C substitution at nucleotide position 973. The lysine at codon 325 is replaced by glutamine, an amino acid with similar properties. This amino acid position is conserved. In addition, the in silico prediction for this alteration is inconclusive. Based on the available evidence, the clinical significance of this variant remains unclear.

NM_002834.5(PTPN11):c.973A>C (p.Lys325Gln)

Gene: PTPN11 (protein tyrosine phosphatase non-receptor type 11; plus strand). Cytogenetic location: 12q24.13.
Variant type: single nucleotide variant.
Coding change: c.973A>C on transcript NM_002834.5 (MANE Select); coding-DNA position 973, A replaced by C.
Protein change: p.Lys325Gln; replaces lysine 325 with glutamine.
Molecular consequence: missense variant.
Genome position (GRCh38, 1-based): chr12:112,477,896, A>C. VCF-style: chr12-112477896-A-C. GRCh37 (hg19) VCF-style: chr12-112915700-A-C.
Other names: c.973A>C, p.Lys325Gln (NM_001330437.2, NM_080601.3); c.970A>C, p.Lys324Gln (NM_001374625.1); short protein forms K324Q, K325Q.
Identifiers: ClinVar variation 4862769 (VCV004862769.1).